The following is an entry in ClinVar:

ClinVar aggregate classification (germline): Likely pathogenic (1 of 4 stars; one submission).

Conditions:
Hypertrophic cardiomyopathy. Also called: HYPERTROPHIC MYOCARDIOPATHY. Identifiers: Orphanet 217569, MedGen C0007194, MeSH D002312, MONDO:0005045, HP:0001639.

Submission:

Labcorp Genetics (formerly Invitae), Labcorp
Classification: Likely pathogenic for Hypertrophic cardiomyopathy. Last evaluated: 2023-10-03. Review status: criteria provided, single submitter. Criteria: Invitae Variant Classification Sherloc (09022015). Collection method: clinical testing. Allele origin: germline.
Comment: This sequence change affects an acceptor splice site in intron 29 of the MYBPC3 gene. It is expected to disrupt RNA splicing. Variants that disrupt the donor or acceptor splice site typically lead to a loss of protein function (PMID: 16199547), and loss-of-function variants in MYBPC3 are known to be pathogenic (PMID: 19574547). This variant is not present in population databases (gnomAD no frequency). This variant has not been reported in the literature in individuals affected with MYBPC3-related conditions. ClinVar contains an entry for this variant (Variation ID: 845154). Algorithms developed to predict the effect of sequence changes on RNA splicing suggest that this variant may disrupt the consensus splice site. In summary, the currently available evidence indicates that the variant is pathogenic, but additional data are needed to prove that conclusively. Therefore, this variant has been classified as Likely Pathogenic.

Literature cited by the submitters: PubMed 16199547; PubMed 19574547.

NM_000256.3(MYBPC3):c.3191-1G>A

Gene: MYBPC3 (myosin binding protein C3; minus strand). Cytogenetic location: 11p11.2.
Variant type: single nucleotide variant.
Coding change: c.3191-1G>A on transcript NM_000256.3 (MANE Select); the canonical splice acceptor site of the intron before coding-DNA position 3191, G replaced by A.
Molecular consequence: splice acceptor variant.
Genome position (GRCh38, 1-based): chr11:47,333,334, C>T on the plus strand (G>A on the coding strand, the complement: MYBPC3 is on the minus strand). VCF-style: chr11-47333334-C-T. GRCh37 (hg19) VCF-style: chr11-47354885-C-T.
Identifiers: ClinVar variation 845154 (VCV000845154.10), dbSNP rs2095879167, ClinGen allele CA380314567.